The following is an entry in ClinVar:

NM_032043.3(BRIP1):c.1930T>A (p.Ser644Thr)

Gene: BRIP1 (BRCA1 interacting DNA helicase 1; minus strand). Cytogenetic location: 17q23.2.
Variant type: single nucleotide variant.
Coding change: c.1930T>A on transcript NM_032043.3 (MANE Select); coding-DNA position 1930, T replaced by A.
Protein change: p.Ser644Thr; replaces serine 644 with threonine.
Molecular consequence: missense variant.
Genome position (GRCh38, 1-based): chr17:61,780,266, A>T on the plus strand (T>A on the coding strand, the complement: BRIP1 is on the minus strand). VCF-style: chr17-61780266-A-T. GRCh37 (hg19) VCF-style: chr17-59857627-A-T.
Other names: short protein forms S644T.
Identifiers: ClinVar variation 919845 (VCV000919845.14), dbSNP rs2077594282, ClinGen allele CA400479165.
Genomic context (GRCh38, chr17:61,780,266, plus strand): 5'-GTTATATTGAAGTAGAAACACTGAAGGCCTTCCAAAAAAAAAAACAACAACTAACCTGTG[A>T]ATTTTTAATGATATGATTAGCCTCCAGCTGGATAGTAAATGTAACACCAAGTTCTGACGA-3'
Protein context (NP_114432.2, residues 634-654): QLEANHIIKN[Ser644Thr]QVWVGTIGSG

ClinVar aggregate classification (germline): Uncertain significance. Review status: criteria provided, multiple submitters, no conflicts (2 of 4 stars). 2 submissions from 2 submitters: Uncertain significance (2). Last evaluated 2024-09-01.

Conditions:
Hereditary cancer-predisposing syndrome. Also called: Hereditary Cancer Syndrome; Hereditary neoplastic syndrome; Neoplastic Syndromes, Hereditary; Tumor predisposition. Identifiers: Orphanet 140162, MedGen C0027672, MeSH D009386, MONDO:0015356.
Familial cancer of breast. Also called: hereditary breast carcinoma; BREAST CANCER, FAMILIAL; Hereditary breast cancer. Identifiers: Orphanet 227535, MedGen C0346153, MONDO:0016419, OMIM 114480. Disease mechanism: loss of function.
Fanconi anemia complementation group J. Also called: BRIP1-Related Fanconi Anemia. Identifiers: Orphanet 84, MedGen C1836860, MONDO:0012187, OMIM 609054.

Submissions (2):

Labcorp Genetics (formerly Invitae), Labcorp
Classification: Uncertain significance for Familial cancer of breast; Fanconi anemia complementation group J. Last evaluated: 2024-09-01. Review status: criteria provided, single submitter. Criteria: Invitae Variant Classification Sherloc (09022015). Collection method: clinical testing. Allele origin: germline.
Comment: This sequence change replaces serine, which is neutral and polar, with threonine, which is neutral and polar, at codon 644 of the BRIP1 protein (p.Ser644Thr). This variant is not present in population databases (gnomAD no frequency). This variant has not been reported in the literature in individuals affected with BRIP1-related conditions. ClinVar contains an entry for this variant (Variation ID: 919845). Invitae Evidence Modeling of protein sequence and biophysical properties (such as structural, functional, and spatial information, amino acid conservation, physicochemical variation, residue mobility, and thermodynamic stability) indicates that this missense variant is expected to disrupt BRIP1 protein function with a positive predictive value of 80%. In summary, the available evidence is currently insufficient to determine the role of this variant in disease. Therefore, it has been classified as a Variant of Uncertain Significance.

Color Diagnostics, LLC DBA Color Health
Classification: Uncertain significance for Hereditary cancer-predisposing syndrome. Last evaluated: 2023-12-05. Review status: criteria provided, single submitter. Criteria: ACMG Guidelines, 2015. Collection method: clinical testing. Allele origin: germline.
Comment: This missense variant replaces serine with threonine at codon 644 of the BRIP1 protein. Computational prediction suggests that this variant may not impact protein structure and function (internally defined REVEL score threshold <= 0.5, PMID: 27666373). To our knowledge, functional studies have not been reported for this variant. This variant has not been reported in individuals affected with BRIP1-related disorders in the literature. This variant has not been identified in the general population by the Genome Aggregation Database (gnomAD). The available evidence is insufficient to determine the role of this variant in disease conclusively. Therefore, this variant is classified as a Variant of Uncertain Significance.